The following is an entry in ClinVar:

NM_003073.5(SMARCB1):c.637A>T (p.Met213Leu)

Gene: SMARCB1 (SWI/SNF related BAF chromatin remodeling complex subunit B1; plus strand). Cytogenetic location: 22q11.23.
Variant type: single nucleotide variant.
Coding change: c.637A>T on transcript NM_003073.5 (MANE Select); coding-DNA position 637, A replaced by T.
Protein change: p.Met213Leu; replaces methionine 213 with leucine.
Molecular consequence: missense variant.
Genome position (GRCh38, 1-based): chr22:23,816,778, A>T. VCF-style: chr22-23816778-A-T. GRCh37 (hg19) VCF-style: chr22-24158965-A-T.
Other names: c.610A>T, p.Met204Leu (NM_001007468.3); c.664A>T, p.Met222Leu (NM_001317946.2); c.691A>T, p.Met231Leu (NM_001362877.2); short protein forms M213L, M231L, M204L, M222L.
Identifiers: ClinVar variation 969237 (VCV000969237.9), dbSNP rs1930218815, ClinGen allele CA410901088.
Genomic context (GRCh38, chr22:23,816,778, plus strand): 5'-ATGCCCAAGCATGGTGCAATCTCTTGGCATCCCTTCCCTCTCCTGATTTCAGAGAAGTTG[A>T]TGACGCCTGAGATGTTTTCAGAAATCCTCTGTGACGATCTGGATTTGAACCCGCTGACGT-3'
Protein context (NP_003064.2, residues 203-223): AFTWNMNEKL[Met213Leu]TPEMFSEILC

ClinVar aggregate classification (germline): Uncertain significance (1 of 4 stars; one submission).

Submission:

Labcorp Genetics (formerly Invitae), Labcorp
Classification: Uncertain significance. Last evaluated: 2019-10-30. Review status: criteria provided, single submitter. Criteria: Invitae Variant Classification Sherloc (09022015). Collection method: clinical testing. Allele origin: germline.
Comment: This sequence change replaces methionine with leucine at codon 213 of the SMARCB1 protein (p.Met213Leu). The methionine residue is moderately conserved and there is a small physicochemical difference between methionine and leucine. This variant is not present in population databases (ExAC no frequency). This variant has not been reported in the literature in individuals with SMARCB1-related conditions. Algorithms developed to predict the effect of missense changes on protein structure and function (SIFT, PolyPhen-2, Align-GVGD) all suggest that this variant is likely to be tolerated, but these predictions have not been confirmed by published functional studies and their clinical significance is uncertain. In summary, the available evidence is currently insufficient to determine the role of this variant in disease. Therefore, it has been classified as a Variant of Uncertain Significance.